The following is an entry in ClinVar:

NM_052947.4(ALPK2):c.3714T>G (p.Ile1238Met)

Genes: ALPK2 (alpha kinase 2; minus strand), LOC126862764 (BRD4-independent group 4 enhancer GRCh37_chr18:56202574-56203773; plus strand). Cytogenetic location: 18q21.31.
Variant type: single nucleotide variant.
Coding change: c.3714T>G on transcript NM_052947.4 (MANE Select); coding-DNA position 3714, T replaced by G.
Protein change: p.Ile1238Met; replaces isoleucine 1238 with methionine.
Molecular consequence: missense variant.
Genome position (GRCh38, 1-based): chr18:58,536,473, A>C on the plus strand (T>G on the coding strand, the complement: ALPK2 is on the minus strand). VCF-style: chr18-58536473-A-C. GRCh37 (hg19) VCF-style: chr18-56203705-A-C.
Other names: short protein forms I1238M.
Identifiers: ClinVar variation 1734232 (VCV001734232.2), dbSNP rs2518876091, ClinGen allele CA402565937.

ClinVar aggregate classification (germline): Uncertain significance (1 of 4 stars; one submission).

Allele frequency attached by ClinVar (database versions not stated): gnomAD exomes below 0.00001.
gnomAD v4.1: 4 of 1,614,020 alleles (0.00025%); highest among the groups gnomAD compares: Non-Finnish European, 0.00034%; no homozygotes.

Submission:

Ambry Genetics
Classification: Uncertain significance. Last evaluated: 2022-03-20. Review status: criteria provided, single submitter. Criteria: Ambry Variant Classification Scheme 2023. Collection method: clinical testing. Allele origin: germline.
Comment: The p.I1238M variant (also known as c.3714T>G), located in coding exon 4 of the ALPK2 gene, results from a T to G substitution at nucleotide position 3714. The isoleucine at codon 1238 is replaced by methionine, an amino acid with highly similar properties. This amino acid position is conserved. In addition, this alteration is predicted to be tolerated by in silico analysis. Since supporting evidence is limited at this time, the clinical significance of this alteration remains unclear.